The following is an entry in ClinVar:

NM_153490.3(KRT13):c.509C>G (p.Thr170Ser)

Gene: KRT13 (keratin 13; minus strand). Cytogenetic location: 17q21.2.
Variant type: single nucleotide variant.
Coding change: c.509C>G on transcript NM_153490.3 (MANE Select); coding-DNA position 509, C replaced by G.
Protein change: p.Thr170Ser; replaces threonine 170 with serine.
Molecular consequence: missense variant.
Genome position (GRCh38, 1-based): chr17:41,503,712, G>C on the plus strand (C>G on the coding strand, the complement: KRT13 is on the minus strand). VCF-style: chr17-41503712-G-C. GRCh37 (hg19) VCF-style: chr17-39659964-G-C.
Other names: c.509C>G, p.Thr170Ser (NM_002274.4); short protein forms T170S.
Identifiers: ClinVar variation 323098 (VCV000323098.10), dbSNP rs148102980, ClinGen allele CA8560757.

ClinVar aggregate classification (germline): Conflicting classifications of pathogenicity. Review status: criteria provided, conflicting classifications (1 of 4 stars). 4 submissions from 4 submitters: Uncertain significance (1); Benign (2). 1 of the submissions does not count toward it. Last evaluated 2024-08-28.

Conditions:
Inborn genetic diseases. Identifiers: MedGen C0950123, MeSH D030342.
White sponge nevus 2 (WSN2). Identifiers: MedGen C4014321, MONDO:0014346, OMIM 615785.

Allele frequency attached by ClinVar (database versions not stated): ESP Exome Variant Server 0.00108; TOPMed 0.00085; gnomAD 0.00087 and 0.00089.
gnomAD v4.1: 2,621 of 1,613,904 alleles (0.16%); highest among the groups gnomAD compares: Non-Finnish European, 0.21%; 6 homozygotes.

Submissions (4):

Ambry Genetics
Classification: Uncertain significance for Inborn genetic diseases. Last evaluated: 2024-08-28. Review status: criteria provided, single submitter. Criteria: Ambry Variant Classification Scheme 2023. Collection method: clinical testing. Allele origin: germline.

Illumina Laboratory Services, Illumina
Classification: Benign for White sponge nevus 2. Last evaluated: 2018-01-13. Review status: criteria provided, single submitter. Criteria: ICSL Variant Classification Criteria 13 December 2019. Collection method: clinical testing. Allele origin: germline.
Comment: This variant was observed in the ICSL laboratory as part of a predisposition screen in an ostensibly healthy population. It had not been previously curated by ICSL or reported in the Human Gene Mutation Database (HGMD: prior to June 1st, 2018), and was therefore a candidate for classification through an automated scoring system. Utilizing variant allele frequency, disease prevalence and penetrance estimates, and inheritance mode, an automated score was calculated to assess if this variant is too frequent to cause the disease. Based on the score and internal cut-off values, a variant classified as benign is not then subjected to further curation. The score for this variant resulted in a classification of benign for this disease.

Breakthrough Genomics
Classification: Benign. Review status: criteria provided, single submitter. Criteria: ACMG Guidelines, 2015. Collection method: not provided. Allele origin: germline. Inheritance: Autosomal dominant inheritance. Affected: yes.

Department of Pathology and Laboratory Medicine, Sinai Health System
Classification: Likely benign. Review status: no assertion criteria provided. Collection method: clinical testing. Allele origin: unknown. Affected: yes. Study: The Canadian Open Genetics Repository (COGR). Not counted in ClinVar's aggregate classification.
Comment: Â¬â€ The KRT13 p.T170S variant was not identified in the literature but was identified in dbSNP (ID: rs148102980) and ClinVar (classified as likely benign by Illumina Clinical Services Laboratory for the associated condition White Sponge Nevus of Cannon). The variant was identified in control databases in 181 of 282822 chromosomes at a frequency of 0.00064 increasing the likelihood this could be a low frequency benign variant (Genome Aggregation Database March 6, 2019, v2.1.1). The variant was observed in the following populations: European (non-Finnish) in 172 of 129152 chromosomes (freq: 0.001332), Other in 4 of 7226 chromosomes (freq: 0.000554) and African in 5 of 24954 chromosomes (freq: 0.0002), but was not observed in the Latino, Ashkenazi Jewish, East Asian, European (Finnish), or South Asian populations. The p.T170 residue is conserved in mammals and computational analyses (PolyPhen-2, SIFT, MutationTaster, Revel, FATHMM, MetaLR, DANN) provide inconsistent predictions regarding the impact to the protein; this information is not very predictive of pathogenicity. The variant occurs outside of the splicing consensus sequence and in silico or computational prediction software programs (Splice AI exome) do not predict a difference in splicing. In summary, based on the above information the clinical significance of this variant cannot be determined with certainty at this time although we would lean towards a more benign role for this variant. This variant is classified as likely benign.